The following is an entry in ClinVar:

NM_000260.4(MYO7A):c.2464del (p.Ala822fs)

Gene: MYO7A (myosin VIIA; plus strand). Cytogenetic location: 11q13.5.
Variant type: Deletion.
Coding change: c.2464del on transcript NM_000260.4 (MANE Select); coding-DNA position 2464, one base deleted (G; older notation c.2464delG).
Protein change: p.Ala822fs; shifts the reading frame from alanine 822.
Molecular consequence: frameshift variant.
Genome position (GRCh38, 1-based): chr11:77,179,831, G deleted; the last of 2 consecutive G bases (chr11:77,179,830-77,179,831); deleting either gives the same sequence. VCF-style (leftmost placement, unchanged base first): chr11-77179829-AG-A. GRCh37 (hg19) VCF-style: chr11-76890875-AG-A.
Other names: c.2464del, p.Ala822fs (NM_001127180.2); c.2431del, p.Ala811fs (NM_001369365.1); short protein forms A811fs, A822fs.
Identifiers: ClinVar variation 3601464 (VCV003601464.1).

ClinVar aggregate classification (germline): Pathogenic (1 of 4 stars; one submission).

Conditions:
Autosomal recessive nonsyndromic hearing loss 2. Also called: NEUROSENSORY NONSYNDROMIC RECESSIVE DEAFNESS 2; DEAFNESS, AUTOSOMAL RECESSIVE 2. Identifiers: Orphanet 90636, MedGen C1838701, MONDO:0010807, OMIM 600060.

Submission:

Institute of Rare Diseases, West China Hospital, Sichuan University
Classification: Pathogenic for Autosomal recessive nonsyndromic hearing loss 2. Last evaluated: 2025-01-09. Review status: criteria provided, single submitter. Criteria: ClinGen HL ACMG Specifications v1. Collection method: research. Allele origin: germline. Affected: yes.
Comment: PVS1;PM3;PM2_Supporting